The following is an entry in ClinVar:

ClinVar aggregate classification (germline): Uncertain significance. Review status: criteria provided, multiple submitters, no conflicts (2 of 4 stars). 4 submissions from 4 submitters: Uncertain significance (4). Last evaluated 2025-08-11.

Conditions:
Cardiomyopathy (CMYO). Also called: Cardiomyopathies. Identifiers: Orphanet 167848, MedGen C0878544, MONDO:0004994, HP:0001638. Inheritance: Various modes of inheritance.
Hypertrophic cardiomyopathy. Also called: HYPERTROPHIC MYOCARDIOPATHY. Identifiers: Orphanet 217569, MedGen C0007194, MeSH D002312, MONDO:0005045, HP:0001639.
Cardiovascular phenotype. Identifiers: MedGen CN230736.

Allele frequency attached by ClinVar (database versions not stated): gnomAD exomes below 0.00001; TOPMed below 0.00001.
gnomAD v4.1: 2 of 1,609,660 alleles (0.00012%); highest among the groups gnomAD compares: African/African-American, 0.0027%; no homozygotes.

Submissions (4):

Color Diagnostics, LLC DBA Color Health
Classification: Uncertain significance for Cardiomyopathy. Last evaluated: 2025-08-11. Review status: criteria provided, single submitter. Criteria: ACMG Guidelines, 2015. Collection method: clinical testing. Allele origin: germline.
Comment: This missense variant replaces threonine with alanine at codon 33 of the MYBPC3 protein. Computational prediction suggests that this variant may not impact protein structure and function. To our knowledge, functional studies have not been reported for this variant. This variant has been reported in 2 individuals affected with dilated cardiomyopathy (PMID: 21750094). This variant has not been identified in the general population by the Genome Aggregation Database (gnomAD). The available evidence is insufficient to determine the role of this variant in disease conclusively. Therefore, this variant is classified as a Variant of Uncertain Significance.

Molecular Diagnostic Laboratory for Inherited Cardiovascular Disease, Montreal Heart Institute
Classification: Uncertain significance for Cardiovascular phenotype. Last evaluated: 2025-04-09. Review status: criteria provided, single submitter. Criteria: ACMG Guidelines, 2015. Collection method: clinical testing. Allele origin: germline. Affected: yes.
Comment: PM2, PS4_supp, PP3

Ambry Genetics
Classification: Uncertain significance for Cardiovascular phenotype. Last evaluated: 2022-12-21. Review status: criteria provided, single submitter. Criteria: Ambry Variant Classification Scheme 2023. Collection method: clinical testing. Allele origin: germline.
Comment: The p.T33A variant (also known as c.97A>G), located in coding exon 2 of the MYBPC3 gene, results from an A to G substitution at nucleotide position 97. The threonine at codon 33 is replaced by alanine, an amino acid with similar properties. This alteration has been reported in a dilated cardiomyopathy (DCM) cohort; however, clinical details were limited (Waldm&uuml;ller S et al. Eur J Heart Fail, 2011 Nov;13:1185-92). This amino acid position is highly conserved in available vertebrate species. In addition, this alteration is predicted to be deleterious by in silico analysis. Since supporting evidence is limited at this time, the clinical significance of this alteration remains unclear.

Labcorp Genetics (formerly Invitae), Labcorp
Classification: Uncertain significance for Hypertrophic cardiomyopathy. Last evaluated: 2017-01-29. Review status: criteria provided, single submitter. Criteria: Invitae Variant Classification Sherloc (09022015). Collection method: clinical testing. Allele origin: germline.
Comment: This variant is not present in population databases (ExAC no frequency). This sequence change replaces threonine with alanine at codon 33 of the MYBPC3 protein (p.Thr33Ala). The threonine residue is highly conserved and there is a small physicochemical difference between threonine and alanine. This variant has been reported in two individuals affected with dilated cardiomyopathy (PMID: 21750094). Algorithms developed to predict the effect of missense changes on protein structure and function (SIFT, PolyPhen-2, Align-GVGD) all suggest that this variant is likely to be disruptive, but these predictions have not been confirmed by published functional studies. In summary, this variant is a rare missense change with uncertain impact on protein function. While it is absent from the population and reported in affected individuals, the available evidence is currently insufficient to determine its role in disease. Therefore, it has been classified as a Variant of Uncertain Significance.

Literature cited by the submitters: PubMed 21750094 (cited by 3 submitters).

NM_000256.3(MYBPC3):c.97A>G (p.Thr33Ala)

Gene: MYBPC3 (myosin binding protein C3; minus strand). Cytogenetic location: 11p11.2.
Variant type: single nucleotide variant.
Coding change: c.97A>G on transcript NM_000256.3 (MANE Select); coding-DNA position 97, A replaced by G.
Protein change: p.Thr33Ala; replaces threonine 33 with alanine.
Molecular consequence: missense variant.
Genome position (GRCh38, 1-based): chr11:47,351,434, T>C on the plus strand (A>G on the coding strand, the complement: MYBPC3 is on the minus strand). VCF-style: chr11-47351434-T-C. GRCh37 (hg19) VCF-style: chr11-47372985-T-C.
Other names: c.97A>G, p.Thr33Ala (LRG_386t1); short protein forms T33A.
Identifiers: ClinVar variation 454338 (VCV000454338.12), dbSNP rs1265723882, ClinGen allele CA380341934.